The following is an entry in ClinVar:

ClinVar aggregate classification (germline): Uncertain significance (1 of 4 stars; one submission).

Conditions:
Immunodeficiency, common variable, 1. Also called: ANTIBODY DEFICIENCY DUE TO ICOS DEFECT. Identifiers: Orphanet 1572, Orphanet 695183, MedGen C3149378, MONDO:0011864, OMIM 607594.

Submission:

Labcorp Genetics (formerly Invitae), Labcorp
Classification: Uncertain significance for Immunodeficiency, common variable, 1. Last evaluated: 2020-04-30. Review status: criteria provided, single submitter. Criteria: Invitae Variant Classification Sherloc (09022015). Collection method: clinical testing. Allele origin: germline.
Comment: This sequence change replaces leucine with valine at codon 156 of the ICOS protein (p.Leu156Val). The leucine residue is weakly conserved and there is a small physicochemical difference between leucine and valine. This variant is not present in population databases (ExAC no frequency). This variant has not been reported in the literature in individuals with ICOS-related conditions. Algorithms developed to predict the effect of missense changes on protein structure and function (SIFT, PolyPhen-2, Align-GVGD) all suggest that this variant is likely to be tolerated, but these predictions have not been confirmed by published functional studies and their clinical significance is uncertain. In summary, the available evidence is currently insufficient to determine the role of this variant in disease. Therefore, it has been classified as a Variant of Uncertain Significance.

NM_012092.4(ICOS):c.466T>G (p.Leu156Val)

Gene: ICOS (inducible T cell costimulator; plus strand). Cytogenetic location: 2q33.2.
Variant type: single nucleotide variant.
Coding change: c.466T>G on transcript NM_012092.4 (MANE Select); coding-DNA position 466, T replaced by G.
Protein change: p.Leu156Val; replaces leucine 156 with valine.
Molecular consequence: missense variant.
Genome position (GRCh38, 1-based): chr2:203,956,730, T>G. VCF-style: chr2-203956730-T-G. GRCh37 (hg19) VCF-style: chr2-204821453-T-G.
Other names: short protein forms L156V.
Identifiers: ClinVar variation 1002484 (VCV001002484.8), dbSNP rs1690083811, ClinGen allele CA350140481.